The following is an entry in ClinVar:

NM_004818.3(DDX23):c.1722C>A (p.Asn574Lys)

Gene: DDX23 (DEAD-box helicase 23; minus strand). Cytogenetic location: 12q13.12.
Variant type: single nucleotide variant.
Coding change: c.1722C>A on transcript NM_004818.3 (MANE Select); coding-DNA position 1722, C replaced by A.
Protein change: p.Asn574Lys; replaces asparagine 574 with lysine.
Molecular consequence: missense variant.
Genome position (GRCh38, 1-based): chr12:48,833,358, G>T on the plus strand (C>A on the coding strand, the complement: DDX23 is on the minus strand). VCF-style: chr12-48833358-G-T. GRCh37 (hg19) VCF-style: chr12-49227141-G-T.
Other names: short protein forms N574K.
Identifiers: ClinVar variation 3069207 (VCV003069207.1), dbSNP rs2498750238, ClinGen allele CA384670798.

ClinVar aggregate classification (germline): Pathogenic (1 of 4 stars; one submission).

Submission:

Institute of Human Genetics, FAU Erlangen, Friedrich-Alexander-Universität Erlangen-Nürnberg
Classification: Pathogenic. Last evaluated: 2024-04-17. Review status: criteria provided, single submitter. Criteria: Hauer et al. (Genet Med. 2018). Collection method: clinical testing. Allele origin: germline. Inheritance: Autosomal dominant inheritance. Affected: yes. Observed: 1 variant allele.
Comment: This variant has been identified by standard clinical testing. Selected ACMG criteria: Pathogenic (III):PP3;PP2;PM2;PM1;PS2